The following is an entry in ClinVar:

NM_000138.5(FBN1):c.7881G>A (p.Gly2627=)

Gene: FBN1 (fibrillin 1; minus strand). Cytogenetic location: 15q21.1.
Variant type: single nucleotide variant.
Coding change: c.7881G>A on transcript NM_000138.5 (MANE Select); coding-DNA position 7881, G replaced by A.
Protein change: p.Gly2627=; no amino-acid change (glycine 2627 retained).
Molecular consequence: synonymous variant.
Genome position (GRCh38, 1-based): chr15:48,415,706, C>T on the plus strand (G>A on the coding strand, the complement: FBN1 is on the minus strand). VCF-style: chr15-48415706-C-T. GRCh37 (hg19) VCF-style: chr15-48707903-C-T.
Identifiers: ClinVar variation 42435 (VCV000042435.11), dbSNP rs397515858, ClinGen allele CA017442.

ClinVar aggregate classification (germline): Likely benign. Review status: criteria provided, multiple submitters, no conflicts (2 of 4 stars). 4 submissions from 4 submitters: Likely benign (4). Last evaluated 2024-07-23.

Conditions:
Familial thoracic aortic aneurysm and aortic dissection (TAAD). Also called: Thoracic aortic aneurysms and dissections. Identifiers: Orphanet 91387, MedGen C4707243, MONDO:0019625.
Marfan syndrome (MFS). Also called: FBN1-Related Marfan Syndrome; Marfan syndrome, classic; MARFAN SYNDROME, TYPE I; Marfan syndrome type 1; Marfan's syndrome. Identifiers: Orphanet 284963, Orphanet 558, MedGen C0024796, MONDO:0007947, OMIM 154700.

Allele frequency attached by ClinVar (database versions not stated): gnomAD exomes below 0.00001 and 0.00001.
gnomAD v4.1: 9 of 1,614,214 alleles (0.00056%); highest among the groups gnomAD compares: Non-Finnish European, 0.00076%; no homozygotes.

Submissions (4):

All of Us Research Program, National Institutes of Health
Classification: Likely benign for Marfan syndrome. Last evaluated: 2024-07-23. Review status: criteria provided, single submitter. Criteria: ACMG Guidelines, 2015. Collection method: clinical testing. Allele origin: germline. Inheritance: Autosomal dominant inheritance. Observed: 1 variant allele, 1 heterozygote.
Comment: This study involves interpretation of variants in research participants for the purpose of population health screening. Participant phenotype was not available at the time of variant classification. Additional details can be found in publication PMID: 35346344, PMCID: PMC8962531

Color Diagnostics, LLC DBA Color Health
Classification: Likely benign for Familial thoracic aortic aneurysm and aortic dissection. Last evaluated: 2018-12-21. Review status: criteria provided, single submitter. Criteria: ACMG Guidelines, 2015. Collection method: clinical testing. Allele origin: germline.

Ambry Genetics
Classification: Likely benign for Familial thoracic aortic aneurysm and aortic dissection. Last evaluated: 2018-02-15. Review status: criteria provided, single submitter. Criteria: Ambry Variant Classification Scheme 2023. Collection method: clinical testing. Allele origin: germline.

Laboratory for Molecular Medicine, Mass General Brigham Personalized Medicine
Classification: Likely benign. Last evaluated: 2010-11-26. Review status: criteria provided, single submitter. Criteria: LMM Criteria. Collection method: clinical testing. Allele origin: germline. Observed: 1 variant allele.
Comment: This variant is not expected to have clinical significance because it does not a lter an amino acid residue and is not located near a splice junction.